The following is an entry in ClinVar:

NM_017780.4(CHD7):c.2238+1G>A

Gene: CHD7 (chromodomain helicase DNA binding protein 7; plus strand). Cytogenetic location: 8q12.2.
Variant type: single nucleotide variant.
Coding change: c.2238+1G>A on transcript NM_017780.4 (MANE Select); the canonical splice donor site of the intron after coding-DNA position 2238, G replaced by A.
Molecular consequence: splice donor variant. On other transcripts: intron variant (1).
Genome position (GRCh38, 1-based): chr8:60,795,128, G>A. VCF-style: chr8-60795128-G-A. GRCh37 (hg19) VCF-style: chr8-61707687-G-A.
Other names: c.1716+14078G>A (NM_001316690.1).
Identifiers: ClinVar variation 954731 (VCV000954731.14), dbSNP rs1811957737, ClinGen allele CA371296841.

ClinVar aggregate classification (germline): Pathogenic. Review status: criteria provided, multiple submitters, no conflicts (2 of 4 stars). 4 submissions from 4 submitters: Pathogenic (2). 2 of the submissions do not count toward it. Last evaluated 2024-03-25.

Conditions:
CHARGE syndrome (CHARGE). Also called: Hittner Hirsch Kreh syndrome; Coloboma, heart anomaly, choanal atresia, retardation, genital and ear anomalies; CHARGE association; Hall-Hittner syndrome; CHARGE ASSOCIATION--COLOBOMA, HEART ANOMALY, CHOANAL ATRESIA, RETARDATION, GENITAL AND EAR ANOMALIES. Identifiers: Orphanet 138, MedGen C0265354, MONDO:0008965.

Submissions (4):

GeneDx
Classification: Pathogenic. Last evaluated: 2024-03-25. Review status: criteria provided, single submitter. Criteria: GeneDx Variant Classification Process June 2021. Collection method: clinical testing. Allele origin: germline. Affected: yes.
Comment: Canonical splice site variant predicted to result in a null allele in a gene for which loss of function is a known mechanism of disease; Not observed at significant frequency in large population cohorts (gnomAD); This variant is associated with the following publications: (PMID: 25525159, 16400610)

Labcorp Genetics (formerly Invitae), Labcorp
Classification: Pathogenic for CHARGE syndrome. Last evaluated: 2019-10-26. Review status: criteria provided, single submitter. Criteria: Invitae Variant Classification Sherloc (09022015). Collection method: clinical testing. Allele origin: germline.
Comment: Algorithms developed to predict the effect of sequence changes on RNA splicing suggest that this variant may disrupt the consensus splice site, but this prediction has not been confirmed by published transcriptional studies. This variant has been observed in individual(s) with CHARGE syndrome (PMID: 16400610). In at least one individual the variant was observed to be de novo. This variant is not present in population databases (ExAC no frequency). This sequence change affects a donor splice site in intron 4 of the CHD7 gene. It is expected to disrupt RNA splicing and likely results in an absent or disrupted protein product. Donor and acceptor splice site variants typically lead to a loss of protein function (PMID: 16199547), and loss-of-function variants in CHD7 are known to be pathogenic (PMID: 22461308, 25077900). For these reasons, this variant has been classified as Pathogenic.

Clinical Genetics DNA and cytogenetics Diagnostics Lab, Erasmus MC, Erasmus Medical Center
Classification: Pathogenic. Review status: no assertion criteria provided. Collection method: clinical testing. Allele origin: germline. Affected: yes. Study: VKGL Data-share Consensus. Not counted in ClinVar's aggregate classification.

Joint Genome Diagnostic Labs from Nijmegen and Maastricht, Radboudumc and MUMC+
Classification: Pathogenic. Review status: no assertion criteria provided. Collection method: clinical testing. Allele origin: germline. Affected: yes. Study: VKGL Data-share Consensus. Not counted in ClinVar's aggregate classification.

Literature cited by the submitters: PubMed 16400610 (cited by Labcorp Genetics (formerly Invitae), Labcorp); PubMed 16199547 (cited by Labcorp Genetics (formerly Invitae), Labcorp); PubMed 22461308 (cited by Labcorp Genetics (formerly Invitae), Labcorp); PubMed 25077900 (cited by Labcorp Genetics (formerly Invitae), Labcorp).